The following is an entry in ClinVar:

NM_005859.5(PURA):c.197_199del (p.Val66del)

Gene: PURA (purine rich element binding protein A; plus strand). Cytogenetic location: 5q31.3.
Variant type: Deletion.
Coding change: c.197_199del on transcript NM_005859.5 (MANE Select); coding-DNA positions 197 to 199, 3 bases deleted (TGG; older notation c.197_199delTGG).
Protein change: p.Val66del; deletes valine 66.
Genome position (GRCh38, 1-based): chr5:140,114,378-140,114,380, TGG deleted; deleting any 3 consecutive bases within chr5:140,114,376-140,114,380 gives the same sequence; the c. name uses the placement nearest the transcript's 3' end. VCF-style (leftmost placement, unchanged base first): chr5-140114375-GGGT-G. GRCh37 (hg19) VCF-style: chr5-139493960-GGGT-G.
Other names: short protein forms V66del.
Identifiers: ClinVar variation 3057145 (VCV003057145.2), dbSNP rs2479504483, ClinGen allele CA2740094092.
Genomic context (GRCh38, chr5:140,114,375, plus strand): 5'-GCGGCGGCGGCGGGGCCCCAGGGGGGCTGCAGCACGAGACGCAGGAGCTGGCCTCCAAGC[GGGT>G]GGACATCCAGAACAAGCGCTTCTACCTGGACGTGAAGCAGAACGCCAAGGGCCGCTTCCT-3'

ClinVar aggregate classification (germline): Uncertain significance (0 of 4 stars; one submission).

Conditions:
PURA-related disorder. Also called: PURA-related condition.

Submission:

PreventionGenetics, part of Exact Sciences
Classification: Uncertain significance for PURA-related condition. Last evaluated: 2023-12-30. Review status: no assertion criteria provided. Collection method: clinical testing. Allele origin: germline.
Comment: The PURA c.197_199delTGG variant is predicted to result in an in-frame deletion (p.Val66del). To our knowledge, this variant has not been reported in the literature or in a large population database, indicating this variant is rare. At this time, the clinical significance of this variant is uncertain due to the absence of conclusive functional and genetic evidence.